The following is an entry in ClinVar:

NM_005027.4(PIK3R2):c.1640G>A (p.Arg547Gln)

Gene: PIK3R2 (phosphoinositide-3-kinase regulatory subunit 2; plus strand). Cytogenetic location: 19p13.11.
Variant type: single nucleotide variant.
Coding change: c.1640G>A on transcript NM_005027.4 (MANE Select); coding-DNA position 1640, G replaced by A.
Protein change: p.Arg547Gln; replaces arginine 547 with glutamine.
Molecular consequence: missense variant. On other transcripts: non-coding transcript variant (2).
Genome position (GRCh38, 1-based): chr19:18,167,210, G>A. VCF-style: chr19-18167210-G-A. GRCh37 (hg19) VCF-style: chr19-18278020-G-A.
Other names: c.1640G>A (NM_005027.2); short protein forms R547Q.
Identifiers: ClinVar variation 1495428 (VCV001495428.7), dbSNP rs200781840, ClinGen allele CA9307089.

ClinVar aggregate classification (germline): Uncertain significance. Review status: criteria provided, multiple submitters, no conflicts (2 of 4 stars). 2 submissions from 2 submitters: Uncertain significance (2). Last evaluated 2024-12-23.

Conditions:
Megalencephaly-polymicrogyria-postaxial polydactyly-hydrocephalus syndrome. Also called: MPPH Syndrome; MEG-PMG-MEGACC SYNDROME. Identifiers: Orphanet 83473, MedGen C1863924, MONDO:0019375.
Inborn genetic diseases. Identifiers: MedGen C0950123, MeSH D030342.

Allele frequency attached by ClinVar (database versions not stated): gnomAD 0.00001; gnomAD exomes 0.00001 and 0.00003; ExAC 0.00002; ESP Exome Variant Server 0.00008.
gnomAD v4.1: 42 of 1,611,326 alleles (0.0026%); highest among the groups gnomAD compares: South Asian, 0.0077%; no homozygotes.

Submissions (2):

Ambry Genetics
Classification: Uncertain significance for Inborn genetic diseases. Last evaluated: 2024-12-23. Review status: criteria provided, single submitter. Criteria: Ambry Variant Classification Scheme 2023. Collection method: clinical testing. Allele origin: germline.

Labcorp Genetics (formerly Invitae), Labcorp
Classification: Uncertain significance for Megalencephaly-polymicrogyria-postaxial polydactyly-hydrocephalus syndrome. Last evaluated: 2021-08-25. Review status: criteria provided, single submitter. Criteria: Invitae Variant Classification Sherloc (09022015). Collection method: clinical testing. Allele origin: germline.
Comment: This variant has not been reported in the literature in individuals affected with PIK3R2-related conditions. This sequence change replaces arginine with glutamine at codon 547 of the PIK3R2 protein (p.Arg547Gln). The arginine residue is moderately conserved and there is a small physicochemical difference between arginine and glutamine. This variant is present in population databases (rs200781840, ExAC 0.01%). Algorithms developed to predict the effect of missense changes on protein structure and function (SIFT, PolyPhen-2, Align-GVGD) all suggest that this variant is likely to be tolerated. In summary, the available evidence is currently insufficient to determine the role of this variant in disease. Therefore, it has been classified as a Variant of Uncertain Significance.